The following is an entry in ClinVar:

NM_000231.3(SGCG):c.559del (p.Asp187fs)

Gene: SGCG (sarcoglycan gamma; plus strand). Cytogenetic location: 13q12.12.
Variant type: Deletion.
Coding change: c.559del on transcript NM_000231.3 (MANE Select); coding-DNA position 559, one base deleted (G; older notation c.559delG).
Protein change: p.Asp187fs; shifts the reading frame from aspartic acid 187.
Molecular consequence: frameshift variant.
Genome position (GRCh38, 1-based): chr13:23,295,468, G deleted. VCF-style (leftmost placement, unchanged base first): chr13-23295467-CG-C. GRCh37 (hg19) VCF-style: chr13-23869606-CG-C.
Other names: c.613del, p.Asp205fs (NM_001378244.1); c.559del, p.Asp187fs (NM_001378245.1, NM_001378246.1); short protein forms D205fs, D187fs.
Identifiers: ClinVar variation 1452677 (VCV001452677.7), dbSNP rs1484553312, ClinGen allele CA482930310.

ClinVar aggregate classification (germline): Pathogenic/Likely pathogenic. Review status: criteria provided, multiple submitters, no conflicts (2 of 4 stars). 2 submissions from 2 submitters: Pathogenic (1); Likely pathogenic (1). Last evaluated 2022-05-06.

Conditions:
Autosomal recessive limb-girdle muscular dystrophy type 2C (LGMDR5). Also called: MUSCULAR DYSTROPHY, DUCHENNE-LIKE; MUSCULAR DYSTROPHY, LIMB-GIRDLE, AUTOSOMAL RECESSIVE 5. Identifiers: Orphanet 353, MedGen C0410173, MONDO:0009677, OMIM 253700. Disease mechanism: Affects gamma-sarcoglycan and also disrupts the integrity of the entire sarcoglycan complex..

Allele frequency attached by ClinVar (database versions not stated): gnomAD exomes below 0.00001; TOPMed below 0.00001; gnomAD 0.00001.

Submissions (2):

Baylor Genetics
Classification: Likely pathogenic for Autosomal recessive limb-girdle muscular dystrophy type 2C. Last evaluated: 2022-05-06. Review status: criteria provided, single submitter. Criteria: ACMG Guidelines, 2015. Collection method: clinical testing. Allele origin: unknown.

Labcorp Genetics (formerly Invitae), Labcorp
Classification: Pathogenic for Autosomal recessive limb-girdle muscular dystrophy type 2C. Last evaluated: 2020-11-21. Review status: criteria provided, single submitter. Criteria: Invitae Variant Classification Sherloc (09022015). Collection method: clinical testing. Allele origin: germline.
Comment: This sequence change creates a premature translational stop signal (p.Asp187Thrfs*8) in the SGCG gene. It is expected to result in an absent or disrupted protein product. Loss-of-function variants in SGCG are known to be pathogenic (PMID: 18285821). This variant is not present in population databases (ExAC no frequency). This variant has not been reported in the literature in individuals with SGCG-related conditions. For these reasons, this variant has been classified as Pathogenic.

Literature cited by the submitters: PubMed 18285821 (cited by Labcorp Genetics (formerly Invitae), Labcorp).